The following is an entry in ClinVar:

ClinVar aggregate classification (somatic clinical impact): Tier II - Potential (1 of 4 stars; one submission).

Conditions:
Neuroepithelial neoplasm. Identifiers: MedGen C0206715, MONDO:0021193, HP:0030063.

Submission:

Institute for Genomic Medicine (IGM) Clinical Laboratory, Nationwide Children's Hospital
Classification: Tier II - Potential for Neuroepithelial neoplasm. Assertion type: diagnostic. Clinical significance: supports diagnosis. Last evaluated: 2025-07-29. Review status: criteria provided, single submitter. Criteria: AMP/ASCO/CAP Guidelines, 2017. Collection method: clinical testing. Allele origin: somatic. Affected: yes.
Comment: Variant has Tier II (potential) clinical significance as a diagnostic inclusion criterion in neuroepithelial neoplasm, based on the following evidence: 1) Documented in one or more cancer databases (e.g., St. Jude Pecan, COSMIC, CIViC, OncoKB). 2) Information in the literature supports potential biologic effect of variant. 3) Assists in diagnosis alone or along with other biomarkers based on small studies or few case reports (Evidence Level D; PMIDs: 22810696, 10485457, 10919662, 16547505, 27325016).

Literature cited by the submitters: PubMed 22810696; PubMed 10485457; PubMed 10919662; PubMed 16547505; PubMed 27325016.

NM_001367943.1(TCF7L2):c.922_924delinsAG (p.Gly308fs)

Gene: TCF7L2 (transcription factor 7 like 2; plus strand). Cytogenetic location: 10q25.3.
Variant type: Indel.
Coding change: c.922_924delinsAG on transcript NM_001367943.1 (MANE Select); coding-DNA positions 922 to 924, GGC replaced by AG.
Protein change: p.Gly308fs; shifts the reading frame from glycine 308.
Molecular consequence: frameshift variant.
Genome position (GRCh38, 1-based): chr10:113,151,044-113,151,046, GGC replaced by AG. VCF-style: chr10-113151044-GGC-AG. GRCh37 (hg19) VCF-style: chr10-114910803-GGC-AG.
Other names: c.922_924delinsAG, p.Gly308fs (NM_001146274.2, NM_001198531.2, NM_001363501.2); c.994_996delinsAG, p.Gly332fs (NM_001146283.2); c.841_843delinsAG, p.Gly281fs (NM_001146284.2, NM_001198527.2); c.853_855delinsAG, p.Gly285fs (NM_001146285.2, NM_001146286.2, NM_001198526.2 and 3 more transcripts); c.868_870delinsAG, p.Gly290fs (NM_001198525.2); c.751_753delinsAG, p.Gly251fs (NM_001198530.2); c.493_495delinsAG, p.Gly165fs (NM_001349870.2); c.373_375delinsAG, p.Gly125fs (NM_001349871.1); short protein forms G125fs, G165fs, G251fs, G281fs, G285fs, G290fs, G308fs, G332fs.
Identifiers: ClinVar variation 4530250 (VCV004530250.1).